The following is an entry in ClinVar:

ClinVar aggregate classification (germline): Benign. Review status: reviewed by expert panel (3 of 4 stars). 14 submissions from 14 submitters: Benign (1). 13 of the submissions do not count toward it. Last evaluated 2017-05-09.

Conditions:
Cardiofaciocutaneous syndrome 4 (CFC4). Also called: MAP2K2-Related Cardiofaciocutaneous Syndrome. Identifiers: Orphanet 1340, MedGen C3809007, MONDO:0014114, OMIM 615280.
Cardiovascular phenotype. Identifiers: MedGen CN230736.
RASopathy. Also called: rasopathies; Noonan spectrum disorder. Identifiers: Orphanet 536391, MedGen C5555857, MONDO:0021060.

Allele frequency attached by ClinVar (database versions not stated): ESP Exome Variant Server 0.41794; gnomAD 0.42547 and 0.42806; TOPMed 0.43016; 1000 Genomes Project 30x 0.43239; 1000 Genomes Project 0.43331; gnomAD exomes 0.47357 and 0.47801; ExAC 0.54717.
gnomAD v4.1: 743,899 of 1,585,444 alleles (47%); highest among the groups gnomAD compares: East Asian, 57%; 177,276 homozygotes.

Submissions (14):

ClinGen RASopathy Variant Curation Expert Panel
Classification: Benign for Noonan syndrome and Noonan-related syndrome. Last evaluated: 2017-05-09. Review status: reviewed by expert panel. Criteria: ClinGen RASopathy ACMG Specifications v1. Collection method: curation. Allele origin: germline. Inheritance: Autosomal dominant inheritance.
Comment: The filtering allele frequency of the c.660C>A (p.Ile220=) variant in the MAP2K2 gene is 65.271% (3631/5412) of Latino chromosomes by the Exome Aggregation Consortium, which is a high enough frequency to be classified as benign based on thresholds defined by the ClinGen RASopathy Expert Panel (BA1; PMID:29493581)

Labcorp Genetics (formerly Invitae), Labcorp
Classification: Benign for RASopathy. Last evaluated: 2026-02-04. Review status: criteria provided, single submitter. Criteria: Invitae Variant Classification Sherloc (09022015). Collection method: clinical testing. Allele origin: germline. Not counted in ClinVar's aggregate classification.

ARUP Laboratories, Molecular Genetics and Genomics, ARUP Laboratories
Classification: Benign for Cardiofaciocutaneous syndrome 4. Last evaluated: 2025-07-29. Review status: criteria provided, single submitter. Criteria: ARUP Molecular Germline Variant Investigation Process 2024. Collection method: clinical testing. Allele origin: germline. Not counted in ClinVar's aggregate classification.

Blueprint Genetics
Classification: Benign. Last evaluated: 2024-11-28. Review status: criteria provided, single submitter. Criteria: ACMG Guidelines, 2015. Collection method: clinical testing. Allele origin: germline. Not counted in ClinVar's aggregate classification.

Genome-Nilou Lab
Classification: Benign for Cardiofaciocutaneous syndrome 4. Last evaluated: 2021-09-05. Review status: criteria provided, single submitter. Criteria: ACMG Guidelines, 2015. Collection method: clinical testing. Allele origin: germline. Affected: no. Not counted in ClinVar's aggregate classification.

Ambry Genetics
Classification: Benign for Cardiovascular phenotype. Last evaluated: 2018-12-11. Review status: criteria provided, single submitter. Criteria: Ambry Variant Classification Scheme 2023. Collection method: clinical testing. Allele origin: germline. Not counted in ClinVar's aggregate classification.

GeneDx
Classification: Benign. Last evaluated: 2015-03-03. Review status: criteria provided, single submitter. Criteria: GeneDx Variant Classification Process June 2021. Collection method: clinical testing. Allele origin: germline. Affected: yes. Not counted in ClinVar's aggregate classification.

Mayo Clinic Laboratories, Mayo Clinic
Classification: Benign. Last evaluated: 2014-05-07. Review status: criteria provided, single submitter. Criteria: ACMG Guidelines, 2015. Collection method: clinical testing. Allele origin: germline. Observed: 1,172 variant alleles. Not counted in ClinVar's aggregate classification.

Laboratory for Molecular Medicine, Mass General Brigham Personalized Medicine
Classification: Benign. Last evaluated: 2007-09-21. Review status: criteria provided, single submitter. Criteria: LMM Criteria. Collection method: clinical testing. Allele origin: germline. Observed: 2,282 variant alleles. Not counted in ClinVar's aggregate classification.

Breakthrough Genomics
Classification: Benign. Review status: criteria provided, single submitter. Criteria: ACMG Guidelines, 2015. Collection method: not provided. Allele origin: germline. Inheritance: Autosomal dominant inheritance. Affected: yes. Not counted in ClinVar's aggregate classification.

PreventionGenetics, part of Exact Sciences
Classification: Benign. Review status: criteria provided, single submitter. Criteria: ACMG Guidelines, 2015. Collection method: clinical testing. Allele origin: germline. Not counted in ClinVar's aggregate classification.

Baylor Genetics
Classification: Benign for Rasopathy. Review status: no assertion criteria provided. Collection method: clinical testing. Allele origin: unknown. Affected: yes. Not counted in ClinVar's aggregate classification.
Comment: Variant classified using ACMG guidelines

Clinical Genetics, Academic Medical Center
Classification: Benign. Review status: no assertion criteria provided. Collection method: clinical testing. Allele origin: germline. Affected: yes. Study: VKGL Data-share Consensus. Not counted in ClinVar's aggregate classification.

Diagnostic Laboratory, Department of Genetics, University Medical Center Groningen
Classification: Benign for Cardiofaciocutaneous syndrome 4. Review status: no assertion criteria provided. Collection method: clinical testing. Allele origin: germline. Affected: yes. Study: VKGL Data-share Consensus. Not counted in ClinVar's aggregate classification.

NM_030662.4(MAP2K2):c.660C>A (p.Ile220=)

Gene: MAP2K2 (mitogen-activated protein kinase kinase 2; minus strand). Cytogenetic location: 19p13.3.
Variant type: single nucleotide variant.
Coding change: c.660C>A on transcript NM_030662.4 (MANE Select); coding-DNA position 660, C replaced by A.
Protein change: p.Ile220=; no amino-acid change (isoleucine 220 retained).
Molecular consequence: synonymous variant.
Genome position (GRCh38, 1-based): chr19:4,101,064, G>T on the plus strand (C>A on the coding strand, the complement: MAP2K2 is on the minus strand). VCF-style: chr19-4101064-G-T. GRCh37 (hg19) VCF-style: chr19-4101062-G-T.
Other names: p.I220I; NM_030662.3(MAP2K2):c.660C>A.
Identifiers: ClinVar variation 40816 (VCV000040816.41), dbSNP rs10250, ClinGen allele CA137959.
Genomic context (GRCh38, chr19:4,101,064, plus strand): 5'-CCAGCGGGGACTCACAGCCATGTAGGAGCGCGTGCCCACGAAGGAGTTGGCCATGGAGTC[G>T]ATGAGCTGGCCGCTCACCCCGAAGTCACACAGCTTGATCTCCCCTCTAGAGTTCACGAGG-3'
Protein context (NP_109587.1, residues 210-230): LCDFGVSGQL[Ile220=]DSMANSFVGT